The following is an entry in ClinVar:

NM_003718.5(CDK13):c.3629C>G (p.Ser1210Trp)

Gene: CDK13 (cyclin dependent kinase 13; plus strand). Cytogenetic location: 7p14.1.
Variant type: single nucleotide variant.
Coding change: c.3629C>G on transcript NM_003718.5 (MANE Select); coding-DNA position 3629, C replaced by G.
Protein change: p.Ser1210Trp; replaces serine 1210 with tryptophan.
Molecular consequence: missense variant.
Genome position (GRCh38, 1-based): chr7:40,093,178, C>G. VCF-style: chr7-40093178-C-G. GRCh37 (hg19) VCF-style: chr7-40132777-C-G.
Other names: c.3449C>G, p.Ser1150Trp (NM_031267.4); short protein forms S1150W, S1210W.
Identifiers: ClinVar variation 3141488 (VCV003141488.2), dbSNP rs781777435, ClinGen allele CA367295436.

ClinVar aggregate classification (germline): Uncertain significance. Review status: criteria provided, multiple submitters, no conflicts (2 of 4 stars). 2 submissions from 2 submitters: Uncertain significance (2). Last evaluated 2026-01-19.

Conditions:
Inborn genetic diseases. Identifiers: MedGen C0950123, MeSH D030342.

gnomAD v4.1: 4 of 1,614,054 alleles (0.00025%); highest among the groups gnomAD compares: South Asian, 0.0033%; no homozygotes.

Submissions (2):

Women's Health and Genetics/Laboratory Corporation of America, LabCorp
Classification: Uncertain significance. Last evaluated: 2026-01-19. Review status: criteria provided, single submitter. Criteria: LabCorp Variant Classification Summary - May 2015. Collection method: clinical testing. Allele origin: germline.
Comment: Variant summary: CDK13 c.3629C>G (p.Ser1210Trp) results in a non-conservative amino acid change in the encoded protein sequence. Algorithms developed to predict the effect of missense changes on protein structure and function are either unavailable or do not agree on the potential impact of this missense change. The variant allele was found at a frequency of 4e-06 in 249642 control chromosomes. The available data on variant occurrences in the general population are insufficient to allow any conclusion about variant significance. To our knowledge, no occurrence of c.3629C>G in individuals affected with CDK13-related conditions and no experimental evidence demonstrating its impact on protein function have been reported. ClinVar contains an entry for this variant (Variation ID: 3141488). Based on the evidence outlined above, the variant was classified as uncertain significance.

Ambry Genetics
Classification: Uncertain significance for Inborn genetic diseases. Last evaluated: 2021-04-29. Review status: criteria provided, single submitter. Criteria: Ambry Variant Classification Scheme 2023. Collection method: clinical testing. Allele origin: germline.